The following is an entry in ClinVar:

ClinVar aggregate classification (germline): Uncertain significance (1 of 4 stars; one submission).

Allele frequency attached by ClinVar (database versions not stated): gnomAD exomes below 0.00001.
gnomAD v4.1: 2 of 1,614,102 alleles (0.00012%); highest among the groups gnomAD compares: Non-Finnish European, 0.000085%; no homozygotes.

Submission:

Labcorp Genetics (formerly Invitae), Labcorp
Classification: Uncertain significance. Last evaluated: 2023-04-30. Review status: criteria provided, single submitter. Criteria: Invitae Variant Classification Sherloc (09022015). Collection method: clinical testing. Allele origin: germline.
Comment: In summary, the available evidence is currently insufficient to determine the role of this variant in disease. Therefore, it has been classified as a Variant of Uncertain Significance. Advanced modeling of protein sequence and biophysical properties (such as structural, functional, and spatial information, amino acid conservation, physicochemical variation, residue mobility, and thermodynamic stability) performed at Invitae indicates that this missense variant is not expected to disrupt ZBTB20 protein function. This variant has not been reported in the literature in individuals affected with ZBTB20-related conditions. This variant is not present in population databases (gnomAD no frequency). This sequence change replaces serine, which is neutral and polar, with asparagine, which is neutral and polar, at codon 436 of the ZBTB20 protein (p.Ser436Asn).

NM_001348800.3(ZBTB20):c.1307G>A (p.Ser436Asn)

Gene: ZBTB20 (zinc finger and BTB domain containing 20; minus strand). Cytogenetic location: 3q13.31.
Variant type: single nucleotide variant.
Coding change: c.1307G>A on transcript NM_001348800.3 (MANE Select); coding-DNA position 1307, G replaced by A.
Protein change: p.Ser436Asn; replaces serine 436 with asparagine.
Molecular consequence: missense variant.
Genome position (GRCh38, 1-based): chr3:114,350,771, C>T on the plus strand (G>A on the coding strand, the complement: ZBTB20 is on the minus strand). VCF-style: chr3-114350771-C-T. GRCh37 (hg19) VCF-style: chr3-114069618-C-T.
Other names: c.1307G>A, p.Ser436Asn (NM_001164342.2, NM_001348803.3, NM_001393393.1 and 1 more transcripts); c.1088G>A, p.Ser363Asn (NM_001164343.2, NM_001164344.4, NM_001164345.4 and 9 more transcripts); short protein forms S363N, S436N.
Identifiers: ClinVar variation 2797092 (VCV002797092.3), dbSNP rs2108204195, ClinGen allele CA354010719.